The following is an entry in ClinVar:

ClinVar aggregate classification (germline): Uncertain significance. Review status: criteria provided, multiple submitters, no conflicts (2 of 4 stars). 2 submissions from 2 submitters: Uncertain significance (2). Last evaluated 2023-10-16.

Conditions:
Hereditary cancer-predisposing syndrome. Also called: Neoplastic Syndromes, Hereditary; Hereditary Cancer Syndrome; Hereditary neoplastic syndrome; Tumor predisposition. Identifiers: Orphanet 140162, MedGen C0027672, MeSH D009386, MONDO:0015356.
Gastrointestinal stromal tumor. Also called: Gastrointestinal stromal tumor, somatic; Gastrointestinal stroma tumor. Identifiers: Orphanet 44890, MedGen C0238198, MeSH D046152, MONDO:0011719, OMIM 606764, HP:0100723.

Submissions (2):

Baylor Genetics
Classification: Uncertain significance for Gastrointestinal stromal tumor. Last evaluated: 2023-10-16. Review status: criteria provided, single submitter. Criteria: ACMG Guidelines, 2015. Collection method: clinical testing. Allele origin: unknown.

Ambry Genetics
Classification: Uncertain significance for Hereditary cancer-predisposing syndrome. Last evaluated: 2019-06-24. Review status: criteria provided, single submitter. Criteria: Ambry Variant Classification Scheme 2023. Collection method: clinical testing. Allele origin: germline.
Comment: The p.N49T variant (also known as c.146A>C), located in coding exon 3 of the SDHC gene, results from an A to C substitution at nucleotide position 146. The asparagine at codon 49 is replaced by threonine, an amino acid with similar properties. This amino acid position is well conserved in available vertebrate species. In addition, the in silico prediction for this alteration is inconclusive. Since supporting evidence is limited at this time, the clinical significance of this alteration remains unclear.

NM_003001.5(SDHC):c.146A>C (p.Asn49Thr)

Gene: SDHC (succinate dehydrogenase complex subunit C; plus strand). Cytogenetic location: 1q23.3.
Variant type: single nucleotide variant.
Coding change: c.146A>C on transcript NM_003001.5 (MANE Select); coding-DNA position 146, A replaced by C.
Protein change: p.Asn49Thr; replaces asparagine 49 with threonine.
Molecular consequence: missense variant. On other transcripts: non-coding transcript variant (1), intron variant (4).
Genome position (GRCh38, 1-based): chr1:161,328,464, A>C. VCF-style: chr1-161328464-A-C. GRCh37 (hg19) VCF-style: chr1-161298254-A-C.
Other names: c.146A>C, p.Asn49Thr (NM_001035511.3, NM_001407115.1); c.89A>C, p.Asn30Thr (NM_001407116.1, NM_001407117.1, NM_001407121.1); c.35A>C, p.Asn12Thr (NM_001407119.1, NM_001407120.1); c.77+4794A>C (NM_001035512.3, NM_001278172.3, NM_001407118.1); c.21-12130A>C (NM_001035513.3); short protein forms N49T, N30T, N12T.
Identifiers: ClinVar variation 819309 (VCV000819309.6), dbSNP rs1571851610, ClinGen allele CA343361214.
Genomic context (GRCh38, chr1:161,328,464, plus strand): 5'-CTTTGGGAACCACGGCCAAAGAAGAGATGGAGCGGTTCTGGAATAAGAATATAGGTTCAA[A>C]CCGTCCTCTGTCTCCCCACATTACTATCTACAGGTAAGGAAGGATTCTGGAGCCAGAGAA-3'
Protein context (NP_002992.1, residues 39-59): ERFWNKNIGS[Asn49Thr]RPLSPHITIY